The following is an entry in ClinVar:

ClinVar aggregate classification (germline): Likely benign (1 of 4 stars; one submission).

gnomAD v4.1: 57 of 1,163,843 alleles (0.0049%); highest among the groups gnomAD compares: Non-Finnish European, 0.006%; no homozygotes.

Submission:

CeGaT Center for Human Genetics Tuebingen
Classification: Likely benign. Last evaluated: 2025-11-01. Review status: criteria provided, single submitter. Criteria: CeGaT Center For Human Genetics Tuebingen Variant Classification Criteria Version 2. Collection method: clinical testing. Allele origin: germline. Affected: yes. Observed: 1 variant allele.
Comment: DLG3: BP4, BS2

NM_021120.4(DLG3):c.1145+737T>C

Gene: DLG3 (discs large MAGUK scaffold protein 3; plus strand). Cytogenetic location: Xq13.1.
Variant type: single nucleotide variant.
Coding change: c.1145+737T>C on transcript NM_021120.4 (MANE Select); 737 bases into the intron after coding-DNA position 1145, T replaced by C.
Molecular consequence: intron variant.
Genome position (GRCh38, 1-based): chrX:70,452,763, T>C. VCF-style: chrX-70452763-T-C. GRCh37 (hg19) VCF-style: chrX-69672613-T-C.
Other names: c.134+8T>C (NM_020730.3).
Identifiers: ClinVar variation 4534384 (VCV004534384.6).